The following is an entry in ClinVar:

NM_001367721.1(CASK):c.2156-4_2156-3delinsAAAACGCAAAGTGTTTTAGTTTTTAGTGTTTAGTTAAAACACTAA

Gene: CASK (calcium/calmodulin dependent serine protein kinase; minus strand). Cytogenetic location: Xp11.4.
Variant type: Indel.
Coding change: c.2156-4_2156-3delinsAAAACGCAAAGTGTTTTAGTTTTTAGTGTTTAGTTAAAACACTAA on transcript NM_001367721.1 (MANE Select); 4 bases into the intron before coding-DNA position 2156 through 3 bases into the intron before coding-DNA position 2156, the reference bases replaced by an inserted sequence.
Molecular consequence: intron variant.
Genome position (GRCh38, 1-based): chrX:41,534,976-41,534,977, 2 bases replaced. GRCh37 (hg19): chrX:41,394,229-41,394,230.
Other names: c.2069-4_2069-3delinsAAAACGCAAAGTGTTTTAGTTTTTAGTGTTTAGTTAAAACACTAA (NM_001126055.3); c.2138-4_2138-3delinsAAAACGCAAAGTGTTTTAGTTTTTAGTGTTTAGTTAAAACACTAA (NM_001410745.1); c.2087-19_2087-18delinsAAAACGCAAAGTGTTTTAGTTTTTAGTGTTTAGTTAAAACACTAA (NM_001126054.3); c.2156-19_2156-18delinsAAAACGCAAAGTGTTTTAGTTTTTAGTGTTTAGTTAAAACACTAA (NM_003688.4).
Identifiers: ClinVar variation 1311960 (VCV001311960.2), dbSNP rs2147096402, ClinGen allele CA2573055324.

ClinVar aggregate classification (germline): Uncertain significance (1 of 4 stars; one submission).

Submission:

GeneDx
Classification: Uncertain significance. Last evaluated: 2020-01-11. Review status: criteria provided, single submitter. Criteria: GeneDx Variant Classification Process June 2021. Collection method: clinical testing. Allele origin: germline. Affected: yes.
Comment: Not observed in large population cohorts (Lek et al., 2016); In-silico analysis, which includes splice predictors and evolutionary conservation, is inconclusive as to whether the variant alters gene splicing. In the absence of RNA/functional studies, the actual effect of this sequence change is unknown.; Has not been previously published as pathogenic or benign to our knowledge